The following is an entry in ClinVar:

ClinVar aggregate classification (germline): Uncertain significance (1 of 4 stars; one submission).

Conditions:
Leukoencephalopathy-thalamus and brainstem anomalies-high lactate syndrome. Also called: LEUKOENCEPHALOPATHY WITH THALAMUS AND BRAINSTEM INVOLVEMENT AND HIGH LACTATE; Combined oxidative phosphorylation deficiency 12. Identifiers: Orphanet 314051, MedGen C4706421, MONDO:0013971, OMIM 614924.

Submission:

Victorian Clinical Genetics Services, Murdoch Childrens Research Institute
Classification: Uncertain significance for Leukoencephalopathy-thalamus and brainstem anomalies-high lactate syndrome. Last evaluated: 2025-09-04. Review status: criteria provided, single submitter. Criteria: ACMG Guidelines, 2015. Collection method: clinical testing. Allele origin: germline. Affected: yes.
Comment: This variant is classified as VUS-3A. Evidence in support of pathogenic classification: Variant is present in gnomAD <0.01 for a recessive condition (v4: 16 heterozygote(s), 0 homozygote(s)); This variant has limited previous evidence of pathogenicity in an unrelated individual. This variant has been identified in a homozygous state in an individual with EARS2-related features (Reid, E. 2016); Strong phenotype match for this individual; Heterozygous variant detected in trans with a likely PATHOGENIC heterozygous variant (NM_001083614.2(EARS2):c.499T>C; p.(Cys167Arg)) in a recessive disease. Additional information: Variant is predicted to result in a missense amino acid change from Thr to Ala; This variant is heterozygous; This gene is associated with autosomal recessive disease; Alternative amino acid change(s) at the same position are present in gnomAD (Highest allele count: v4: 7 heterozygote(s), 0 homozygote(s)); No published functional evidence has been identified for this variant; No comparable missense variants have previous evidence for pathogenicity; Variant is located in the annotated tRNA synthetases class I (E and Q) catalytic domain (DECIPHER). - Missense variant with inconclusive in silico prediction and uninformative conservation; Loss of function is a known mechanism of disease in this gene and is associated with combined oxidative phosphorylation deficiency 12 (MIM#614924).

NM_001083614.2(EARS2):c.760A>G (p.Thr254Ala)

Gene: EARS2 (glutamyl-tRNA synthetase 2, mitochondrial; minus strand). Cytogenetic location: 16p12.2.
Variant type: single nucleotide variant.
Coding change: c.760A>G on transcript NM_001083614.2 (MANE Select); coding-DNA position 760, A replaced by G.
Protein change: p.Thr254Ala; replaces threonine 254 with alanine.
Molecular consequence: missense variant. On other transcripts: non-coding transcript variant (1).
Genome position (GRCh38, 1-based): chr16:23,535,086, T>C on the plus strand (A>G on the coding strand, the complement: EARS2 is on the minus strand). VCF-style: chr16-23535086-T-C. GRCh37 (hg19) VCF-style: chr16-23546407-T-C.
Other names: c.760A>G, p.Thr254Ala (NM_001308211.1); short protein forms T254A.
Identifiers: ClinVar variation 4531598 (VCV004531598.1).
Genomic context (GRCh38, chr16:23,535,086, plus strand): 5'-GGTGGGCGAAGTGGGGTGGCTGCCAGCCCAGGGCCTGGTAGAGGAGCAGGTGCTTGGCAG[T>C]GGAGACGAGCCACTCAGAGCCTCGCAGCACGTGGCTGATGCCCATGTGGTGGTCGTCCAC-3'
Protein context (NP_001077083.1, residues 244-264): VLRGSEWLVS[Thr254Ala]AKHLLLYQAL